The following is an entry in ClinVar:

NM_004320.6(ATP2A1):c.464-225C>T

Gene: ATP2A1 (ATPase sarcoplasmic/endoplasmic reticulum Ca2+ transporting 1; plus strand). Cytogenetic location: 16p11.2.
Variant type: single nucleotide variant.
Coding change: c.464-225C>T on transcript NM_004320.6 (MANE Select); 225 bases into the intron before coding-DNA position 464, C replaced by T.
Molecular consequence: intron variant.
Genome position (GRCh38, 1-based): chr16:28,884,350, C>T. VCF-style: chr16-28884350-C-T. GRCh37 (hg19) VCF-style: chr16-28895671-C-T.
Other names: c.464-225C>T (NM_173201.5); c.89-225C>T (NM_001286075.2).
Identifiers: ClinVar variation 678426 (VCV000678426.1), dbSNP rs112262084, ClinGen allele CA279228727.

ClinVar aggregate classification (germline): Benign (1 of 4 stars; one submission).

Allele frequency attached by ClinVar (database versions not stated): gnomAD 0.05200 and 0.05558; 1000 Genomes Project 0.05571; 1000 Genomes Project 30x 0.05840; TOPMed 0.05973.
gnomAD v4.1: 7,821 of 152,150 alleles (5.1%); highest among the groups gnomAD compares: African/African-American, 18%; 687 homozygotes.

Submission:

GeneDx
Classification: Benign. Last evaluated: 2018-06-16. Review status: criteria provided, single submitter. Criteria: GeneDx Variant Classification (06012015). Collection method: clinical testing. Allele origin: germline. Affected: yes.
Comment: This variant is considered likely benign or benign based on one or more of the following criteria: it is a conservative change, it occurs at a poorly conserved position in the protein, it is predicted to be benign by multiple in silico algorithms, and/or has population frequency not consistent with disease.